The following is an entry in ClinVar:

NM_194248.3(OTOF):c.4091G>T (p.Gly1364Val)

Gene: OTOF (otoferlin; minus strand). Cytogenetic location: 2p23.3.
Variant type: single nucleotide variant.
Coding change: c.4091G>T on transcript NM_194248.3 (MANE Select); coding-DNA position 4091, G replaced by T.
Protein change: p.Gly1364Val; replaces glycine 1364 with valine.
Molecular consequence: missense variant.
Genome position (GRCh38, 1-based): chr2:26,467,501, C>A on the plus strand (G>T on the coding strand, the complement: OTOF is on the minus strand). VCF-style: chr2-26467501-C-A. GRCh37 (hg19) VCF-style: chr2-26690369-C-A.
Other names: NM_194248.3(OTOF):c.4091G>T; c.4091G>T, p.Gly1364Val (NM_001287489.2); c.1790G>T, p.Gly597Val (NM_004802.4, NM_194323.3); c.2021G>T, p.Gly674Val (NM_194322.3); short protein forms G1364V, G597V, G674V.
Identifiers: ClinVar variation 667141 (VCV000667141.20), dbSNP rs138037294, ClinGen allele CA1563284.

ClinVar aggregate classification (germline): Likely benign. Review status: reviewed by expert panel (3 of 4 stars). 8 submissions from 8 submitters: Likely benign (1). 7 of the submissions do not count toward it. Last evaluated 2022-05-13.

Conditions:
Nonsyndromic genetic hearing loss. Also called: Non-syndromic genetic deafness; Nonsyndromic hearing loss and deafness; Nonsyndromic genetic deafness. Identifiers: Orphanet 87884, MedGen C5680182, MONDO:0019497.
OTOF-related disorder. Also called: OTOF-related condition.
Inborn genetic diseases. Identifiers: MedGen C0950123, MeSH D030342.

Allele frequency attached by ClinVar (database versions not stated): 1000 Genomes Project 0.00080; 1000 Genomes Project 30x 0.00094; gnomAD 0.00139 and 0.00155; TOPMed 0.00148; ESP Exome Variant Server 0.00185; ExAC 0.00043.
gnomAD v4.1: 353 of 1,613,752 alleles (0.022%); highest among the groups gnomAD compares: African/African-American, 0.44%; 1 homozygote.

Submissions (8):

ClinGen Hearing Loss Variant Curation Expert Panel
Classification: Likely benign for Nonsyndromic genetic hearing loss. Last evaluated: 2022-05-13. Review status: reviewed by expert panel. Criteria: clingen hl acmg specifications otof myo15a v1. Collection method: curation. Allele origin: germline. Inheritance: Autosomal recessive inheritance.
Comment: The filtering allele frequency (the lower threshold of the 95% CI of 128/24484) of the c.4091G>T (p.Gly1364Val) variant in the OTOF gene is 0.449% for African/African-American chromosomes by gnomAD, which is a high enough frequency to be classified as likely benign based on the thresholds defined by the ClinGen Hearing Loss Expert Panel for autosomal recessive hearing loss variants (BS1).

Labcorp Genetics (formerly Invitae), Labcorp
Classification: Likely benign. Last evaluated: 2026-01-28. Review status: criteria provided, single submitter. Criteria: Invitae Variant Classification Sherloc (09022015). Collection method: clinical testing. Allele origin: germline. Not counted in ClinVar's aggregate classification.

Blueprint Genetics
Classification: Likely benign. Last evaluated: 2024-06-05. Review status: criteria provided, single submitter. Criteria: ACMG Guidelines, 2015. Collection method: clinical testing. Allele origin: germline. Not counted in ClinVar's aggregate classification.

Ambry Genetics
Classification: Uncertain significance for Inborn genetic diseases. Last evaluated: 2021-12-03. Review status: criteria provided, single submitter. Criteria: Ambry Variant Classification Scheme 2023. Collection method: clinical testing. Allele origin: germline. Not counted in ClinVar's aggregate classification.

GeneDx
Classification: Likely benign. Last evaluated: 2021-05-25. Review status: criteria provided, single submitter. Criteria: GeneDx Variant Classification Process June 2021. Collection method: clinical testing. Allele origin: germline. Affected: yes. Not counted in ClinVar's aggregate classification.

Laboratory for Molecular Medicine, Mass General Brigham Personalized Medicine
Classification: Likely benign. Last evaluated: 2012-04-30. Review status: criteria provided, single submitter. Criteria: LMM Criteria. Collection method: clinical testing. Allele origin: germline. Observed: 1 variant allele. Not counted in ClinVar's aggregate classification.
Comment: Gly1364Val in Exon 34 of OTOF: This variant is not expected to have clinical sig nificance because it has been identified in 0.4% (16/3738) of African American c hromosomes from a broad population by the NHLBI Exome Sequencing Project (dbSNP rs138037294).

Breakthrough Genomics
Classification: Likely benign. Review status: criteria provided, single submitter. Criteria: ACMG Guidelines, 2015. Collection method: not provided. Allele origin: germline. Inheritance: Autosomal recessive inheritance. Affected: yes. Not counted in ClinVar's aggregate classification.

PreventionGenetics, part of Exact Sciences
Classification: Likely benign for OTOF-related condition. Last evaluated: 2019-11-26. Review status: no assertion criteria provided. Collection method: clinical testing. Allele origin: germline. Not counted in ClinVar's aggregate classification.
Comment: This variant is classified as likely benign based on ACMG/AMP sequence variant interpretation guidelines (Richards et al. 2015 PMID: 25741868, with internal and published modifications).